The following is an entry in ClinVar:

NM_002880.4(RAF1):c.785A>G (p.Asn262Ser)

Gene: RAF1 (Raf-1 proto-oncogene, serine/threonine kinase; minus strand). Cytogenetic location: 3p25.2.
Variant type: single nucleotide variant.
Coding change: c.785A>G on transcript NM_002880.4 (MANE Select); coding-DNA position 785, A replaced by G.
Protein change: p.Asn262Ser; replaces asparagine 262 with serine.
Molecular consequence: missense variant. On other transcripts: non-coding transcript variant (3).
Genome position (GRCh38, 1-based): chr3:12,604,185, T>C on the plus strand (A>G on the coding strand, the complement: RAF1 is on the minus strand). VCF-style: chr3-12604185-T-C. GRCh37 (hg19) VCF-style: chr3-12645684-T-C.
Other names: c.785A>G, p.Asn262Ser (NM_001354689.3, NM_001354690.3); c.542A>G, p.Asn181Ser (NM_001354691.3, NM_001354692.3, NM_001354694.3); c.686A>G, p.Asn229Ser (NM_001354693.3); c.443A>G, p.Asn148Ser (NM_001354695.3); short protein forms N262S, N181S, N229S, N148S.
Identifiers: ClinVar variation 636789 (VCV000636789.5), dbSNP rs730881010, ClinGen allele CA351512348.

ClinVar aggregate classification (germline): Likely pathogenic. Review status: criteria provided, multiple submitters, no conflicts (2 of 4 stars). 2 submissions from 2 submitters: Likely pathogenic (2). Last evaluated 2022-11-19.

Conditions:
RAF1-related disorder. Also called: RAF1-related condition; RAF1-related disorders.
RASopathy. Also called: rasopathies; Noonan spectrum disorder. Identifiers: Orphanet 536391, MedGen C5555857, MONDO:0021060.

Submissions (2):

Labcorp Genetics (formerly Invitae), Labcorp
Classification: Likely pathogenic for RASopathy. Last evaluated: 2022-11-19. Review status: criteria provided, single submitter. Criteria: Invitae Variant Classification Sherloc (09022015). Collection method: clinical testing. Allele origin: germline.
Comment: This sequence change replaces asparagine, which is neutral and polar, with serine, which is neutral and polar, at codon 262 of the RAF1 protein (p.Asn262Ser). This variant is not present in population databases (gnomAD no frequency). This missense change has been observed in individual(s) with hypertrophic cardiomyopathy (PMID: 33673806). ClinVar contains an entry for this variant (Variation ID: 636789). Advanced modeling of protein sequence and biophysical properties (such as structural, functional, and spatial information, amino acid conservation, physicochemical variation, residue mobility, and thermodynamic stability) performed at Invitae indicates that this missense variant is expected to disrupt RAF1 protein function. This variant disrupts the p.Asn262 amino acid residue in RAF1. Other variant(s) that disrupt this residue have been determined to be pathogenic (PMID: 24451042). This suggests that this residue is clinically significant, and that variants that disrupt this residue are likely to be disease-causing. In summary, the currently available evidence indicates that the variant is pathogenic, but additional data are needed to prove that conclusively. Therefore, this variant has been classified as Likely Pathogenic.

Blueprint Genetics
Classification: Likely pathogenic for RAF1-related disorders. Last evaluated: 2018-08-28. Review status: criteria provided, single submitter. Criteria: ACMG Guidelines, 2015. Collection method: clinical testing. Allele origin: germline. Affected: yes. Observed: 2 variant alleles.

Literature cited by the submitters: PubMed 33673806 (cited by Labcorp Genetics (formerly Invitae), Labcorp); PubMed 24451042 (cited by Labcorp Genetics (formerly Invitae), Labcorp).